The following is an entry in ClinVar:

ClinVar aggregate classification (germline): Uncertain significance (1 of 4 stars; one submission).

gnomAD v4.1: 12 of 1,613,932 alleles (0.00074%); highest among the groups gnomAD compares: Admixed American, 0.0033%; no homozygotes.

Submission:

Labcorp Genetics (formerly Invitae), Labcorp
Classification: Uncertain significance. Last evaluated: 2025-03-17. Review status: criteria provided, single submitter. Criteria: Invitae Variant Classification Sherloc (09022015). Collection method: clinical testing. Allele origin: germline.
Comment: This sequence change replaces leucine, which is neutral and non-polar, with methionine, which is neutral and non-polar, at codon 516 of the PDE6A protein (p.Leu516Met). This variant is present in population databases (rs61733362, gnomAD 0.006%). This variant has not been reported in the literature in individuals affected with PDE6A-related conditions. ClinVar contains an entry for this variant (Variation ID: 1354974). Invitae Evidence Modeling of protein sequence and biophysical properties (such as structural, functional, and spatial information, amino acid conservation, physicochemical variation, residue mobility, and thermodynamic stability) indicates that this missense variant is not expected to disrupt PDE6A protein function with a negative predictive value of 95%. In summary, the available evidence is currently insufficient to determine the role of this variant in disease. Therefore, it has been classified as a Variant of Uncertain Significance.

NM_000440.3(PDE6A):c.1546C>A (p.Leu516Met)

Gene: PDE6A (phosphodiesterase 6A; minus strand). Cytogenetic location: 5q32.
Variant type: single nucleotide variant.
Coding change: c.1546C>A on transcript NM_000440.3 (MANE Select); coding-DNA position 1546, C replaced by A.
Protein change: p.Leu516Met; replaces leucine 516 with methionine.
Molecular consequence: missense variant.
Genome position (GRCh38, 1-based): chr5:149,896,430, G>T on the plus strand (C>A on the coding strand, the complement: PDE6A is on the minus strand). VCF-style: chr5-149896430-G-T. GRCh37 (hg19) VCF-style: chr5-149275993-G-T.
Other names: short protein forms L516M.
Identifiers: ClinVar variation 1354974 (VCV001354974.8), dbSNP rs61733362, ClinGen allele CA3504636.
Genomic context (GRCh38, chr5:149,896,430, plus strand): 5'-GAAATTTATCCACCACTTTGAGCTCATAATACATCTGTATTCCACATTTTACCAGCTCCA[G>T]TTCTGTTAGGGGTAAGTCACTGAAGTGAAATTTATTAATTTCGTATTTATCTGCATCTGG-3'
Protein context (NP_000431.2, residues 506-526): FHFSDLPLTE[Leu516Met]ELVKCGIQMY